The following is an entry in ClinVar:

NM_001042681.2(RERE):c.2270_2271dup (p.Thr758fs)

Gene: RERE (arginine-glutamic acid dipeptide repeats; minus strand). Cytogenetic location: 1p36.23.
Variant type: Duplication.
Coding change: c.2270_2271dup on transcript NM_001042681.2 (MANE Select); coding-DNA positions 2270 to 2271, 2 bases duplicated (GG; older notation c.2270_2271dupGG).
Protein change: p.Thr758fs; shifts the reading frame from threonine 758.
Molecular consequence: frameshift variant.
Genome position (GRCh38, 1-based): chr1:8,361,236-8,361,237, CC duplicated on the plus strand (GG on the coding strand, the reverse complement: RERE is on the minus strand); duplicating any 2 consecutive bases within chr1:8,361,236-8,361,238 gives the same sequence; the c. name uses the placement nearest the transcript's 3' end. VCF-style (leftmost placement, unchanged base first): chr1-8361235-T-TCC. GRCh37 (hg19) VCF-style: chr1-8421295-T-TCC.
Other names: c.608_609dup, p.Thr204fs (NM_001042682.2); c.2270_2271dup, p.Thr758fs (NM_012102.4); c.2270_2271dupGG (NM_012102.3); short protein forms T204fs, T758fs.
Identifiers: ClinVar variation 451536 (VCV000451536.1), dbSNP rs1553155581, ClinGen allele CA658656874.

ClinVar aggregate classification (germline): Likely pathogenic (1 of 4 stars; one submission).

Submission:

GeneDx
Classification: Likely pathogenic. Last evaluated: 2017-08-18. Review status: criteria provided, single submitter. Criteria: GeneDx Variant Classification (06012015). Collection method: clinical testing. Allele origin: germline. Affected: yes.
Comment: The c.2270_2271dupGG variant in the RERE gene has not been reported previously as a pathogenic variant nor as a benign variant, to our knowledge. The c.2270_2271dupGG variant causes a frameshift starting with codon Threonine 758, changes this amino acid to a Glycine residue, and creates a premature Stop codon at position 7 of the new reading frame, denoted p.Thr758GlyfsX7. This variant is predicted to cause loss of normal protein function either through protein truncation or nonsense-mediated mRNA decay. The c.2270_2271dupGG variant is not observed in large population cohorts (Lek et al., 2016; 1000 Genomes Consortium et al., 2015; Exome Variant Server). Therefore, this variant is likely pathogenic; however, the possibility that it is benign cannot be excluded.